The following is an entry in ClinVar:

NM_014476.6(PDLIM3):c.838A>C (p.Lys280Gln)

Gene: PDLIM3 (PDZ and LIM domain 3; minus strand). Cytogenetic location: 4q35.1.
Variant type: single nucleotide variant.
Coding change: c.838A>C on transcript NM_014476.6 (MANE Select); coding-DNA position 838, A replaced by C.
Protein change: p.Lys280Gln; replaces lysine 280 with glutamine.
Molecular consequence: missense variant. On other transcripts: non-coding transcript variant (1).
Genome position (GRCh38, 1-based): chr4:185,504,542, T>G on the plus strand (A>C on the coding strand, the complement: PDLIM3 is on the minus strand). VCF-style: chr4-185504542-T-G. GRCh37 (hg19) VCF-style: chr4-186425696-T-G.
Other names: c.694A>C, p.Lys232Gln (NM_001114107.5); c.574A>C, p.Lys192Gln (NM_001257962.2); c.337A>C, p.Lys113Gln (NM_001257963.2); short protein forms K192Q, K280Q, K113Q, K232Q.
Identifiers: ClinVar variation 4134212 (VCV004134212.1).

ClinVar aggregate classification (germline): Uncertain significance (1 of 4 stars; one submission).

gnomAD v4.1: 2 of 1,614,080 alleles (0.00012%); highest among the groups gnomAD compares: Admixed American, 0.0017%; no homozygotes.

Submission:

Ambry Genetics
Classification: Uncertain significance. Last evaluated: 2025-07-09. Review status: criteria provided, single submitter. Criteria: Ambry Variant Classification Scheme 2023. Collection method: clinical testing. Allele origin: germline.
Comment: The p.K280Q variant (also known as c.838A>C), located in coding exon 7 of the PDLIM3 gene, results from an A to C substitution at nucleotide position 838. The lysine at codon 280 is replaced by glutamine, an amino acid with similar properties. This amino acid position is conserved. In addition, this alteration is predicted to be tolerated by in silico analysis. Based on the available evidence, the clinical significance of this variant remains unclear.